The following is an entry in ClinVar:

ClinVar aggregate classification (germline): Uncertain significance (1 of 4 stars; one submission).

Allele frequency attached by ClinVar (database versions not stated): gnomAD exomes below 0.00001 and 0.00001; ExAC 0.00005.
gnomAD v4.1: 2 of 1,549,186 alleles (0.00013%); highest among the groups gnomAD compares: African/African-American, 0.0014%; no homozygotes.

Submission:

Labcorp Genetics (formerly Invitae), Labcorp
Classification: Uncertain significance. Last evaluated: 2022-02-01. Review status: criteria provided, single submitter. Criteria: Invitae Variant Classification Sherloc (09022015). Collection method: clinical testing. Allele origin: germline.
Comment: This sequence change replaces asparagine, which is neutral and polar, with serine, which is neutral and polar, at codon 2754 of the EYS protein (p.Asn2754Ser). This variant is present in population databases (rs776738764, gnomAD 0.002%). This variant has not been reported in the literature in individuals affected with EYS-related conditions. Algorithms developed to predict the effect of missense changes on protein structure and function are either unavailable or do not agree on the potential impact of this missense change (SIFT: "Deleterious"; PolyPhen-2: "Benign"; Align-GVGD: "Class C0"). In summary, the available evidence is currently insufficient to determine the role of this variant in disease. Therefore, it has been classified as a Variant of Uncertain Significance.

NM_001142800.2(EYS):c.8261A>G (p.Asn2754Ser)

Genes: EYS (eyes shut homolog; minus strand), PHF3 (PHD finger protein 3; plus strand). Cytogenetic location: 6q12.
Variant type: single nucleotide variant.
Coding change: c.8261A>G on transcript NM_001142800.2 (MANE Select); coding-DNA position 8261, A replaced by G.
Protein change: p.Asn2754Ser; replaces asparagine 2754 with serine.
Molecular consequence: missense variant. On other transcripts: 3 prime UTR variant (5).
Genome position (GRCh38, 1-based): chr6:63,721,770, T>C on the plus strand (A>G on the coding strand, the complement: EYS is on the minus strand). VCF-style: chr6-63721770-T-C. GRCh37 (hg19) VCF-style: chr6-64431666-T-C.
Other names: c.*8062T>C (NM_001290259.2, NM_001370348.2, NM_001370349.2 and 2 more transcripts); c.8324A>G, p.Asn2775Ser (NM_001292009.2); short protein forms N2754S, N2775S.
Identifiers: ClinVar variation 1517248 (VCV001517248.3), dbSNP rs776738764, ClinGen allele CA3876718.
Genomic context (GRCh38, chr6:63,721,770, plus strand): 5'-TGGAGAGTTTCTAGAATGATAGTTCTGTCGCCAAGGTTGTAGCGAAGTTGAACGGAACTA[T>C]TTACTAAAGAGATGCATAAAAAATCACCTGCAAGAAAGCAAACAGTAAGTTTGATTAGCA-3'
Protein context (NP_001136272.1, residues 2744-2764): SGDFLCISLV[Asn2754Ser]SSVQLRYNLG